The following is an entry in ClinVar:

NM_000128.4(F11):c.730C>T (p.Gln244Ter)

Gene: F11 (coagulation factor XI; plus strand). Cytogenetic location: 4q35.2.
Variant type: single nucleotide variant.
Coding change: c.730C>T on transcript NM_000128.4 (MANE Select); coding-DNA position 730, C replaced by T.
Protein change: p.Gln244Ter; replaces glutamine 244 with a stop codon.
Molecular consequence: nonsense.
Genome position (GRCh38, 1-based): chr4:186,276,365, C>T. VCF-style: chr4-186276365-C-T. GRCh37 (hg19) VCF-style: chr4-187197519-C-T.
Other names: short protein forms Q244*.
Identifiers: ClinVar variation 189094 (VCV000189094.13), dbSNP rs747702749, ClinGen allele CA199116.

ClinVar aggregate classification (germline): Pathogenic. Review status: criteria provided, multiple submitters, no conflicts (2 of 4 stars). 3 submissions from 3 submitters: Pathogenic (2). 1 of the submissions does not count toward it. Last evaluated 2024-11-13.

Conditions:
Plasma factor XI deficiency.
Hereditary factor XI deficiency disease. Also called: Congenital factor XI deficiency; PLASMA THROMBOPLASTIN ANTECEDENT DEFICIENCY; PTA DEFICIENCY; ROSENTHAL SYNDROME. Identifiers: Orphanet 329, MedGen C0015523, MeSH D005173, MONDO:0012897, OMIM 612416.

Allele frequency attached by ClinVar (database versions not stated): gnomAD exomes 0.00001 and 0.00002; ExAC 0.00002.

Submissions (3):

Natera, Inc.
Classification: Pathogenic for Plasma factor XI deficiency. Last evaluated: 2024-11-13. Review status: criteria provided, single submitter. Criteria: Natera Variant Classification Schema (03/2026). Collection method: clinical testing. Allele origin: germline.
Comment: The c.730C>T variant in F11 is a nonsense variant predicted to introduce a stop codon at amino acid 244. This variant is expected to result in nonsense mediated decay, truncation, or a dysfunctional protein product. This variant is rare in the general population with a frequency below the threshold expected for the associated phenotype(s). This variant has been observed in one or more individuals affected with the associated recessive disease, as either homozygous or compound heterozygous with a second variant (PMID: 16787881, 32333264). Given the available evidence, this variant is classified as Pathogenic.

Labcorp Genetics (formerly Invitae), Labcorp
Classification: Pathogenic. Last evaluated: 2023-04-16. Review status: criteria provided, single submitter. Criteria: Invitae Variant Classification Sherloc (09022015). Collection method: clinical testing. Allele origin: germline.
Comment: This premature translational stop signal has been observed in individual(s) with Factor XI deficiency (PMID: 16787881, 21668437). This variant is present in population databases (rs747702749, gnomAD 0.006%). This sequence change creates a premature translational stop signal (p.Gln244*) in the F11 gene. It is expected to result in an absent or disrupted protein product. Loss-of-function variants in F11 are known to be pathogenic (PMID: 23929304). This variant is also known as Gln226X. For these reasons, this variant has been classified as Pathogenic. ClinVar contains an entry for this variant (Variation ID: 189094).

Counsyl
Classification: Likely pathogenic for Hereditary factor XI deficiency disease. Last evaluated: 2014-12-18. Review status: no assertion criteria provided. Collection method: literature only. Allele origin: unknown. Inheritance: Autosomal recessive inheritance. Not counted in ClinVar's aggregate classification.

Literature cited by the submitters: PubMed 16787881 (cited by 3 submitters); PubMed 32333264 (cited by Natera, Inc.); PubMed 21668437 (cited by Labcorp Genetics (formerly Invitae), Labcorp and Counsyl); PubMed 23929304 (cited by Labcorp Genetics (formerly Invitae), Labcorp); PubMed 24982842 (cited by Counsyl).